The following is an entry in ClinVar:

NM_002566.5(P2RY11):c.234C>T (p.Cys78=)

Genes: P2RY11 (purinergic receptor P2Y11; plus strand), PPAN-P2RY11 (PPAN-P2RY11 readthrough; plus strand), LOC113939967 (Sharpr-MPRA regulatory region 3609; plus strand). Cytogenetic location: 19p13.2.
Variant type: single nucleotide variant.
Coding change: c.234C>T on transcript NM_002566.5 (MANE Select); coding-DNA position 234, C replaced by T.
Protein change: p.Cys78=; no amino-acid change (cysteine 78 retained).
Molecular consequence: synonymous variant. On other transcripts: missense variant (1).
Genome position (GRCh38, 1-based): chr19:10,113,847, C>T. VCF-style: chr19-10113847-C-T. GRCh37 (hg19) VCF-style: chr19-10224523-C-T.
Other names: c.1494C>T, p.Cys498= (NM_001040664.3); c.1556C>T, p.Ala519Val (NM_001198690.2); short protein forms A519V.
Identifiers: ClinVar variation 773603 (VCV000773603.38), dbSNP rs139458920, ClinGen allele CA9186344.
Genomic context (GRCh38, chr19:10,113,847, plus strand): 5'-GCGCCCATGGCACCCCGCCGTGGTCTTCTCTGTCCAGCTGGCAGTCAGCGACCTGCTCTG[C>T]GCCCTGACGCTGCCCCCGCTGGCCGCCTACCTCTATCCCCCCAAGCACTGGCGCTATGGG-3'
Protein context (NP_002557.2, residues 68-88): SVQLAVSDLL[Cys78=]ALTLPPLAAY

ClinVar aggregate classification (germline): Benign/Likely benign. Review status: criteria provided, multiple submitters, no conflicts (2 of 4 stars). 2 submissions from 2 submitters: Benign (1); Likely benign (1). Last evaluated 2025-10-01.

Allele frequency attached by ClinVar (database versions not stated): 1000 Genomes Project 30x 0.00062; 1000 Genomes Project 0.00080; TOPMed 0.00196; ESP Exome Variant Server 0.00300; gnomAD 0.00308 and 0.00325; gnomAD exomes 0.00346; ExAC 0.00389.
gnomAD v4.1: 4,321 of 1,612,872 alleles (0.27%); highest among the groups gnomAD compares: Non-Finnish European, 0.29%; 29 homozygotes.

Submissions (2):

CeGaT Center for Human Genetics Tuebingen
Classification: Likely benign. Last evaluated: 2025-10-01. Review status: criteria provided, single submitter. Criteria: CeGaT Center For Human Genetics Tuebingen Variant Classification Criteria Version 2. Collection method: clinical testing. Allele origin: germline. Affected: yes. Observed: 5 variant alleles.
Comment: P2RY11: BP4, BP7, BS2; PPAN-P2RY11: BP4, BS2

Labcorp Genetics (formerly Invitae), Labcorp
Classification: Benign. Last evaluated: 2019-12-31. Review status: criteria provided, single submitter. Criteria: Invitae Variant Classification Sherloc (09022015). Collection method: clinical testing. Allele origin: germline.